The following is an entry in ClinVar:

ClinVar aggregate classification (germline): Pathogenic/Likely pathogenic. Review status: criteria provided, multiple submitters, no conflicts (2 of 4 stars). 3 submissions from 3 submitters: Pathogenic (2); Likely pathogenic (1). Last evaluated 2024-07-31.

Conditions:
Retinitis pigmentosa 39 (RP39). Identifiers: Orphanet 791, MedGen C3151138, MONDO:0013436, OMIM 613809.
USH2A-related disorder. Also called: USH2A-related condition; USH2A-related disorders. Identifiers: MedGen CN239332.

Allele frequency attached by ClinVar (database versions not stated): gnomAD exomes below 0.00001; gnomAD 0.00001.
gnomAD v4.1: 4 of 1,613,866 alleles (0.00025%); highest among the groups gnomAD compares: African/African-American, 0.0013%; no homozygotes.

Submissions (3):

Labcorp Genetics (formerly Invitae), Labcorp
Classification: Pathogenic. Last evaluated: 2024-07-31. Review status: criteria provided, single submitter. Criteria: Invitae Variant Classification Sherloc (09022015). Collection method: clinical testing. Allele origin: germline.
Comment: This sequence change replaces glycine, which is neutral and non-polar, with serine, which is neutral and polar, at codon 4095 of the USH2A protein (p.Gly4095Ser). This variant is present in population databases (no rsID available, gnomAD 0.01%). This missense change has been observed in individual(s) with Usher syndrome (PMID: 27460420). ClinVar contains an entry for this variant (Variation ID: 1057538). Advanced modeling of protein sequence and biophysical properties (such as structural, functional, and spatial information, amino acid conservation, physicochemical variation, residue mobility, and thermodynamic stability) performed at Invitae indicates that this missense variant is expected to disrupt USH2A protein function with a positive predictive value of 95%. This variant disrupts the p.Gly4095 amino acid residue in USH2A. Other variant(s) that disrupt this residue have been determined to be pathogenic (PMID: 25333064, 27460420). This suggests that this residue is clinically significant, and that variants that disrupt this residue are likely to be disease-causing. For these reasons, this variant has been classified as Pathogenic.

Blueprint Genetics
Classification: Likely pathogenic for USH2A-related disorders. Last evaluated: 2023-08-15. Review status: criteria provided, single submitter. Criteria: ACMG Guidelines, 2015. Collection method: clinical testing. Allele origin: germline. Affected: yes. Observed: 3 variant alleles.

Clinical Genetics Service, Universitary Hospital 12 de Octubre
Classification: Pathogenic for Retinitis pigmentosa 39. Review status: criteria provided, single submitter. Criteria: ACMG Guidelines, 2015. Collection method: clinical testing. Allele origin: germline. Affected: yes.

Literature cited by the submitters: PubMed 27460420 (cited by Labcorp Genetics (formerly Invitae), Labcorp); PubMed 25333064 (cited by Labcorp Genetics (formerly Invitae), Labcorp).

NM_206933.4(USH2A):c.12283G>A (p.Gly4095Ser)

Gene: USH2A (usherin; minus strand). Cytogenetic location: 1q41.
Variant type: single nucleotide variant.
Coding change: c.12283G>A on transcript NM_206933.4 (MANE Select); coding-DNA position 12283, G replaced by A.
Protein change: p.Gly4095Ser; replaces glycine 4095 with serine.
Molecular consequence: missense variant.
Genome position (GRCh38, 1-based): chr1:215,680,160, C>T on the plus strand (G>A on the coding strand, the complement: USH2A is on the minus strand). VCF-style: chr1-215680160-C-T. GRCh37 (hg19) VCF-style: chr1-215853502-C-T.
Other names: short protein forms G4095S.
Identifiers: ClinVar variation 1057538 (VCV001057538.11), dbSNP rs1315543696, ClinGen allele CA344815779.